The following is an entry in ClinVar:

NM_003839.4(TNFRSF11A):c.1447G>A (p.Glu483Lys)

Gene: TNFRSF11A (TNF receptor superfamily member 11a; plus strand). Cytogenetic location: 18q21.33.
Variant type: single nucleotide variant.
Coding change: c.1447G>A on transcript NM_003839.4 (MANE Select); coding-DNA position 1447, G replaced by A.
Protein change: p.Glu483Lys; replaces glutamic acid 483 with lysine.
Molecular consequence: missense variant. On other transcripts: intron variant (3).
Genome position (GRCh38, 1-based): chr18:62,369,364, G>A. VCF-style: chr18-62369364-G-A. GRCh37 (hg19) VCF-style: chr18-60036597-G-A.
Other names: c.1405G>A, p.Glu469Lys (NM_001278268.2); c.783+2604G>A (NM_001270949.2); c.730+7571G>A (NM_001270950.2); c.616+9315G>A (NM_001270951.2); short protein forms E469K, E483K.
Identifiers: ClinVar variation 2746062 (VCV002746062.3), dbSNP rs201948347, ClinGen allele CA8983969.

ClinVar aggregate classification (germline): Uncertain significance (1 of 4 stars; one submission).

Allele frequency attached by ClinVar (database versions not stated): 1000 Genomes Project 30x 0.00031; gnomAD exomes below 0.00001; ExAC 0.00003; TOPMed 0.00003; gnomAD 0.00006; 1000 Genomes Project 0.00040.
gnomAD v4.1: 14 of 1,610,470 alleles (0.00087%); highest among the groups gnomAD compares: African/African-American, 0.017%; no homozygotes.

Submission:

Labcorp Genetics (formerly Invitae), Labcorp
Classification: Uncertain significance. Last evaluated: 2025-05-18. Review status: criteria provided, single submitter. Criteria: Invitae Variant Classification Sherloc (09022015). Collection method: clinical testing. Allele origin: germline.
Comment: This sequence change replaces glutamic acid, which is acidic and polar, with lysine, which is basic and polar, at codon 483 of the TNFRSF11A protein (p.Glu483Lys). This variant is present in population databases (rs201948347, gnomAD 0.02%). This variant has not been reported in the literature in individuals affected with TNFRSF11A-related conditions. ClinVar contains an entry for this variant (Variation ID: 2746062). An algorithm developed to predict the effect of missense changes on protein structure and function (PolyPhen-2) suggests that this variant is likely to be tolerated. In summary, the available evidence is currently insufficient to determine the role of this variant in disease. Therefore, it has been classified as a Variant of Uncertain Significance.